The following is an entry in ClinVar:

ClinVar aggregate classification (germline): Uncertain significance. Review status: criteria provided, multiple submitters, no conflicts (2 of 4 stars). 4 submissions from 4 submitters: Uncertain significance (2). 2 of the submissions do not count toward it. Last evaluated 2024-11-10.

Conditions:
Inborn genetic diseases. Identifiers: MedGen C0950123, MeSH D030342.

Allele frequency attached by ClinVar (database versions not stated): TOPMed below 0.00001.

Submissions (4):

Ambry Genetics
Classification: Uncertain significance for Inborn genetic diseases. Last evaluated: 2024-11-10. Review status: criteria provided, single submitter. Criteria: Ambry Variant Classification Scheme 2023. Collection method: clinical testing. Allele origin: germline.

Labcorp Genetics (formerly Invitae), Labcorp
Classification: Uncertain significance. Last evaluated: 2024-02-18. Review status: criteria provided, single submitter. Criteria: Invitae Variant Classification Sherloc (09022015). Collection method: clinical testing. Allele origin: germline.
Comment: This sequence change replaces arginine, which is basic and polar, with cysteine, which is neutral and slightly polar, at codon 225 of the CEACAM16 protein (p.Arg225Cys). This variant is not present in population databases (gnomAD no frequency). This variant has not been reported in the literature in individuals affected with CEACAM16-related conditions. ClinVar contains an entry for this variant (Variation ID: 1328494). Advanced modeling of protein sequence and biophysical properties (such as structural, functional, and spatial information, amino acid conservation, physicochemical variation, residue mobility, and thermodynamic stability) performed at Invitae indicates that this missense variant is not expected to disrupt CEACAM16 protein function with a negative predictive value of 80%. In summary, the available evidence is currently insufficient to determine the role of this variant in disease. Therefore, it has been classified as a Variant of Uncertain Significance.

Clinical Genetics DNA and cytogenetics Diagnostics Lab, Erasmus MC, Erasmus Medical Center
Classification: Uncertain significance. Review status: no assertion criteria provided. Collection method: clinical testing. Allele origin: germline. Affected: yes. Study: VKGL Data-share Consensus. Not counted in ClinVar's aggregate classification.

Joint Genome Diagnostic Labs from Nijmegen and Maastricht, Radboudumc and MUMC+
Classification: Uncertain significance. Review status: no assertion criteria provided. Collection method: clinical testing. Allele origin: germline. Affected: yes. Study: VKGL Data-share Consensus. Not counted in ClinVar's aggregate classification.

NM_001039213.4(CEACAM16):c.673C>T (p.Arg225Cys)

Genes: CEACAM16 (CEA cell adhesion molecule 16, tectorial membrane component; plus strand), CEACAM16-AS1 (CEACAM16, CEACAM19 and PVR antisense RNA 1; minus strand). Cytogenetic location: 19q13.32.
Variant type: single nucleotide variant.
Coding change: c.673C>T on transcript NM_001039213.4 (MANE Select); coding-DNA position 673, C replaced by T.
Protein change: p.Arg225Cys; replaces arginine 225 with cysteine.
Molecular consequence: missense variant.
Genome position (GRCh38, 1-based): chr19:44,705,601, C>T. VCF-style: chr19-44705601-C-T. GRCh37 (hg19) VCF-style: chr19-45208871-C-T.
Other names: c.673C>T (NM_001039213.2); short protein forms R225C.
Identifiers: ClinVar variation 1328494 (VCV001328494.5), dbSNP rs759556595, ClinGen allele CA9503122.